The following is an entry in ClinVar:

ClinVar aggregate classification (germline): Uncertain significance (1 of 4 stars; one submission).

Conditions:
Neuropathy, hereditary sensory, type 2C. Also called: KIF1A-Related HSAN2 (HSAN2C); Hereditary sensory and autonomic neuropathy type IIC. Identifiers: Orphanet 970, MedGen C3280168, MONDO:0013634, OMIM 614213.
Hereditary spastic paraplegia 30. Identifiers: Orphanet 101010, MedGen C5235139, MONDO:0012476.
Intellectual disability, autosomal dominant 9 (NESCAVS). Also called: KIF1A-Related Neurodevelopmental Disorder; NESCAV SYNDROME. Identifiers: Orphanet 662367, MedGen C5393830, MONDO:0013656, OMIM 614255.

Submission:

Labcorp Genetics (formerly Invitae), Labcorp
Classification: Uncertain significance for Hereditary spastic paraplegia 30; Neuropathy, hereditary sensory, type 2C; Intellectual disability, autosomal dominant 9. Last evaluated: 2026-01-05. Review status: criteria provided, single submitter. Criteria: Invitae Variant Classification Sherloc (09022015). Collection method: clinical testing. Allele origin: germline.
Comment: This sequence change replaces glutamine, which is neutral and polar, with arginine, which is basic and polar, at codon 792 of the KIF1A protein (p.Gln792Arg). This variant is not present in population databases (gnomAD no frequency). This variant has not been reported in the literature in individuals affected with KIF1A-related conditions. Invitae Evidence Modeling of protein sequence and biophysical properties (such as structural, functional, and spatial information, amino acid conservation, physicochemical variation, residue mobility, and thermodynamic stability) has been performed for this missense variant. However, the output from this modeling did not meet the statistical confidence thresholds required to predict the impact of this variant on KIF1A protein function. In summary, the available evidence is currently insufficient to determine the role of this variant in disease. Therefore, it has been classified as a Variant of Uncertain Significance.

NM_001244008.2(KIF1A):c.2402A>G (p.Gln801Arg)

Gene: KIF1A (kinesin family member 1A; minus strand). Cytogenetic location: 2q37.3.
Variant type: single nucleotide variant.
Coding change: c.2402A>G on transcript NM_001244008.2 (MANE Select); coding-DNA position 2402, A replaced by G.
Protein change: p.Gln801Arg; replaces glutamine 801 with arginine.
Molecular consequence: missense variant.
Genome position (GRCh38, 1-based): chr2:240,760,707, T>C on the plus strand (A>G on the coding strand, the complement: KIF1A is on the minus strand). VCF-style: chr2-240760707-T-C. GRCh37 (hg19) VCF-style: chr2-241700124-T-C.
Other names: c.2402A>G, p.Gln801Arg (NM_001320705.2, NM_001330289.2, NM_001379638.1); c.2477A>G, p.Gln826Arg (NM_001330290.2, NM_001379631.1, NM_001379634.1 and 2 more transcripts); c.2375A>G, p.Gln792Arg (NM_001379632.1, NM_001379633.1, NM_001379636.1 and 10 more transcripts); c.2450A>G, p.Gln817Arg (NM_001379637.1, NM_001379648.1); short protein forms Q817R, Q801R, Q792R, Q826R.
Identifiers: ClinVar variation 4789378 (VCV004789378.1).